The following is an entry in ClinVar:

NM_018136.5(ASPM):c.-9G>T

Gene: ASPM (assembly factor for spindle microtubules; minus strand). Cytogenetic location: 1q31.3.
Variant type: single nucleotide variant.
Coding change: c.-9G>T on transcript NM_018136.5 (MANE Select); 9 bases upstream of the start codon, G replaced by T.
Molecular consequence: 5 prime UTR variant.
Genome position (GRCh38, 1-based): chr1:197,146,446, C>A on the plus strand (G>T on the coding strand, the complement: ASPM is on the minus strand). VCF-style: chr1-197146446-C-A. GRCh37 (hg19) VCF-style: chr1-197115576-C-A.
Other names: c.-9G>T (NM_001206846.2).
Identifiers: ClinVar variation 157768 (VCV000157768.11), dbSNP rs141108591, ClinGen allele CA270986.

ClinVar aggregate classification (germline): Benign/Likely benign. Review status: criteria provided, multiple submitters, no conflicts (2 of 4 stars). 4 submissions from 4 submitters: Benign (3); Likely benign (1). Last evaluated 2023-04-11.

Conditions:
Microcephaly 5, primary, autosomal recessive (MCPH5). Also called: ASPM Primary Microcephaly. Identifiers: Orphanet 2512, MedGen C1837501, MONDO:0012106, OMIM 608716.

Allele frequency attached by ClinVar (database versions not stated): gnomAD exomes 0.00060 and 0.00195; gnomAD 0.00105; TOPMed 0.00110; ExAC 0.00187; 1000 Genomes Project 0.00319; 1000 Genomes Project 30x 0.00344.
gnomAD v4.1: 980 of 1,605,288 alleles (0.061%); highest among the groups gnomAD compares: East Asian, 2%; 11 homozygotes.

Submissions (4):

Genome-Nilou Lab
Classification: Benign for Microcephaly 5, primary, autosomal recessive. Last evaluated: 2023-04-11. Review status: criteria provided, single submitter. Criteria: ACMG Guidelines, 2015. Collection method: clinical testing. Allele origin: germline. Affected: no.

GeneDx
Classification: Benign. Last evaluated: 2018-05-10. Review status: criteria provided, single submitter. Criteria: GeneDx Variant Classification Process June 2021. Collection method: clinical testing. Allele origin: germline. Affected: yes.

Illumina Laboratory Services, Illumina
Classification: Likely benign for Microcephaly 5, primary, autosomal recessive. Last evaluated: 2018-01-13. Review status: criteria provided, single submitter. Criteria: ICSL Variant Classification Criteria 13 December 2019. Collection method: clinical testing. Allele origin: germline.
Comment: This variant was observed in the ICSL laboratory as part of a predisposition screen in an ostensibly healthy population. It had not been previously curated by ICSL or reported in the Human Gene Mutation Database (HGMD: prior to June 1st, 2018), and was therefore a candidate for classification through an automated scoring system. Utilizing variant allele frequency, disease prevalence and penetrance estimates, and inheritance mode, an automated score was calculated to assess if this variant is too frequent to cause the disease. Based on the score and internal cut-off values, a variant classified as likely benign is not then subjected to further curation. The score for this variant resulted in a classification of likely benign for this disease.

Genetic Services Laboratory, University of Chicago
Classification: Benign. Last evaluated: 2015-09-23. Review status: criteria provided, single submitter. Criteria: ACMG Guidelines, 2015. Collection method: clinical testing. Allele origin: germline. Affected: no.